The following is an entry in ClinVar:

NM_212482.4(FN1):c.854C>T (p.Pro285Leu)

Gene: FN1 (fibronectin 1; minus strand). Cytogenetic location: 2q35.
Variant type: single nucleotide variant.
Coding change: c.854C>T on transcript NM_212482.4 (MANE Select); coding-DNA position 854, C replaced by T.
Protein change: p.Pro285Leu; replaces proline 285 with leucine.
Molecular consequence: missense variant.
Genome position (GRCh38, 1-based): chr2:215,425,276, G>A on the plus strand (C>T on the coding strand, the complement: FN1 is on the minus strand). VCF-style: chr2-215425276-G-A. GRCh37 (hg19) VCF-style: chr2-216289999-G-A.
Other names: c.854C>T, p.Pro285Leu (NM_001306129.2, NM_001306130.2, NM_001306131.2 and 14 more transcripts); short protein forms P285L.
Identifiers: ClinVar variation 2978202 (VCV002978202.3), dbSNP rs750242501, ClinGen allele CA2095443.

ClinVar aggregate classification (germline): Uncertain significance (1 of 4 stars; one submission).

gnomAD v4.1: 10 of 1,614,070 alleles (0.00062%); highest among the groups gnomAD compares: Non-Finnish European, 0.00076%; no homozygotes.

Submission:

Labcorp Genetics (formerly Invitae), Labcorp
Classification: Uncertain significance. Last evaluated: 2023-09-19. Review status: criteria provided, single submitter. Criteria: Invitae Variant Classification Sherloc (09022015). Collection method: clinical testing. Allele origin: germline.
Comment: In summary, the available evidence is currently insufficient to determine the role of this variant in disease. Therefore, it has been classified as a Variant of Uncertain Significance. Advanced modeling of protein sequence and biophysical properties (such as structural, functional, and spatial information, amino acid conservation, physicochemical variation, residue mobility, and thermodynamic stability) performed at Invitae indicates that this missense variant is not expected to disrupt FN1 protein function. This variant has not been reported in the literature in individuals affected with FN1-related conditions. This variant is present in population databases (rs750242501, gnomAD 0.0009%). This sequence change replaces proline, which is neutral and non-polar, with leucine, which is neutral and non-polar, at codon 285 of the FN1 protein (p.Pro285Leu).